The following is an entry in ClinVar:

ClinVar aggregate classification (germline): Benign/Likely benign. Review status: criteria provided, multiple submitters, no conflicts (2 of 4 stars). 7 submissions from 6 submitters: Benign (5); Likely benign (2). Last evaluated 2026-01-12.

Conditions:
ALS2-related disorder. Also called: ALS2-related condition; ALS2-related disorders; ALS2-Related Spectrum Disorders. Identifiers: MedGen CN169291.
Hereditary spastic paraplegia. Also called: Familial spastic paraparesis. Identifiers: Orphanet 685, MedGen C0037773, MONDO:0019064. Disease mechanism: loss of function.
Amyotrophic lateral sclerosis type 2, juvenile. Also called: ALS, JUVENILE; Amyotrophic lateral sclerosis type 2. Identifiers: Orphanet 300605, MedGen C1859807, MONDO:0008780, OMIM 205100.
Infantile-onset ascending hereditary spastic paralysis (IAHSP). Also called: Infantile-Onset Ascending Hereditary Spastic Paralysis (IAHSP); Autosomal Recessive Juvenile Amyotrophic Lateral Sclerosis. Identifiers: Orphanet 293168, MedGen C2931441, MONDO:0011797, OMIM 607225. Disease mechanism: loss of function.

Allele frequency attached by ClinVar (database versions not stated): ESP Exome Variant Server 0.00423; gnomAD 0.00466 and 0.00499; 1000 Genomes Project 0.00539; TOPMed 0.00587; 1000 Genomes Project 30x 0.00625.
gnomAD v4.1: 1,479 of 1,614,042 alleles (0.092%); highest among the groups gnomAD compares: African/African-American, 1.7%; 13 homozygotes.

Submissions (7):

Labcorp Genetics (formerly Invitae), Labcorp
Classification: Benign for Infantile-onset ascending hereditary spastic paralysis. Last evaluated: 2026-01-12. Review status: criteria provided, single submitter. Criteria: Invitae Variant Classification Sherloc (09022015). Collection method: clinical testing. Allele origin: germline.

Mayo Clinic Laboratories, Mayo Clinic
Classification: Benign. Last evaluated: 2021-06-24. Review status: criteria provided, single submitter. Criteria: ACMG Guidelines, 2015. Collection method: clinical testing. Allele origin: germline. Observed: 4 variant alleles.

GeneDx
Classification: Likely benign. Last evaluated: 2020-09-28. Review status: criteria provided, single submitter. Criteria: GeneDx Variant Classification Process June 2021. Collection method: clinical testing. Allele origin: germline. Affected: yes.

Genome Diagnostics Laboratory, The Hospital for Sick Children
Classification: Likely benign for Hereditary spastic paraplegia. Last evaluated: 2020-04-01. Review status: criteria provided, single submitter. Criteria: ACMG Guidelines, 2015. Collection method: clinical testing. Allele origin: germline. Affected: yes.

Illumina Laboratory Services, Illumina
Classification: Benign for ALS2-Related Disorders. Last evaluated: 2018-01-13. Review status: criteria provided, single submitter. Criteria: ICSL Variant Classification Criteria 13 December 2019. Collection method: clinical testing. Allele origin: germline.
Comment: This variant was observed in the ICSL laboratory as part of a predisposition screen in an ostensibly healthy population. It had not been previously curated by ICSL or reported in the Human Gene Mutation Database (HGMD: prior to June 1st, 2018), and was therefore a candidate for classification through an automated scoring system. Utilizing variant allele frequency, disease prevalence and penetrance estimates, and inheritance mode, an automated score was calculated to assess if this variant is too frequent to cause the disease. Based on the score and internal cut-off values, a variant classified as benign is not then subjected to further curation. The score for this variant resulted in a classification of benign for this disease.

Illumina Laboratory Services, Illumina
Classification: Benign for Amyotrophic lateral sclerosis type 2. Last evaluated: 2018-01-13. Review status: criteria provided, single submitter. Criteria: ICSL Variant Classification Criteria 13 December 2019. Collection method: clinical testing. Allele origin: germline.
Comment: the same text as in the submission from Illumina Laboratory Services, Illumina above.

Athena Diagnostics
Classification: Benign. Last evaluated: 2016-12-29. Review status: criteria provided, single submitter. Criteria: Athena Diagnostics Criteria. Collection method: clinical testing. Allele origin: germline.

NM_020919.4(ALS2):c.4764G>A (p.Ala1588=)

Gene: ALS2 (alsin Rho guanine nucleotide exchange factor ALS2; minus strand). Cytogenetic location: 2q33.1.
Variant type: single nucleotide variant.
Coding change: c.4764G>A on transcript NM_020919.4 (MANE Select); coding-DNA position 4764, G replaced by A.
Protein change: p.Ala1588=; no amino-acid change (alanine 1588 retained).
Molecular consequence: synonymous variant.
Genome position (GRCh38, 1-based): chr2:201,704,528, C>T on the plus strand (G>A on the coding strand, the complement: ALS2 is on the minus strand). VCF-style: chr2-201704528-C-T. GRCh37 (hg19) VCF-style: chr2-202569251-C-T.
Other names: p.Ala1588=.
Identifiers: ClinVar variation 241313 (VCV000241313.22), dbSNP rs35110478, ClinGen allele CA2057484.